The following is an entry in ClinVar:

ClinVar aggregate classification (germline): Uncertain significance. Review status: criteria provided, multiple submitters, no conflicts (2 of 4 stars). 2 submissions from 2 submitters: Uncertain significance (2). Last evaluated 2026-01-01.

Allele frequency attached by ClinVar (database versions not stated): gnomAD exomes below 0.00001; TOPMed below 0.00001; ExAC 0.00002.

Submissions (2):

CeGaT Center for Human Genetics Tuebingen
Classification: Uncertain significance. Last evaluated: 2026-01-01. Review status: criteria provided, single submitter. Criteria: CeGaT Center For Human Genetics Tuebingen Variant Classification Criteria Version 2. Collection method: clinical testing. Allele origin: germline. Affected: yes. Observed: 1 variant allele.
Comment: BDP1: PM2:Supporting, PM3:Supporting, BP4

Ambry Genetics
Classification: Uncertain significance. Last evaluated: 2022-07-06. Review status: criteria provided, single submitter. Criteria: Ambry Variant Classification Scheme 2023. Collection method: clinical testing. Allele origin: germline.

NM_018429.3(BDP1):c.646G>T (p.Val216Phe)

Gene: BDP1 (BDP1 general transcription factor IIIB subunit; plus strand). Cytogenetic location: 5q13.2.
Variant type: single nucleotide variant.
Coding change: c.646G>T on transcript NM_018429.3 (MANE Select); coding-DNA position 646, G replaced by T.
Protein change: p.Val216Phe; replaces valine 216 with phenylalanine.
Molecular consequence: missense variant.
Genome position (GRCh38, 1-based): chr5:71,464,104, G>T. VCF-style: chr5-71464104-G-T. GRCh37 (hg19) VCF-style: chr5-70759931-G-T.
Other names: short protein forms V216F.
Identifiers: ClinVar variation 2299843 (VCV002299843.6), dbSNP rs765812591, ClinGen allele CA3295769.